The following is an entry in ClinVar:

ClinVar aggregate classification (germline): Uncertain significance (1 of 4 stars; one submission).

Conditions:
LAMA2-related muscular dystrophy (LAMA2-RD). Also called: Laminin alpha 2-related dystrophy. Identifiers: MedGen C5679788, MONDO:0100228.

Submission:

Labcorp Genetics (formerly Invitae), Labcorp
Classification: Uncertain significance for LAMA2-related muscular dystrophy. Last evaluated: 2021-09-07. Review status: criteria provided, single submitter. Criteria: Invitae Variant Classification Sherloc (09022015). Collection method: clinical testing. Allele origin: germline.
Comment: In summary, the available evidence is currently insufficient to determine the role of this variant in disease. Therefore, it has been classified as a Variant of Uncertain Significance. This sequence change replaces valine with alanine at codon 2793 of the LAMA2 protein (p.Val2793Ala). The valine residue is weakly conserved and there is a small physicochemical difference between valine and alanine. This variant is not present in population databases (ExAC no frequency). This variant has not been reported in the literature in individuals with LAMA2-related conditions. Advanced modeling of protein sequence and biophysical properties (such as structural, functional, and spatial information, amino acid conservation, physicochemical variation, residue mobility, and thermodynamic stability) performed at Invitae indicates that this missense variant is not expected to disrupt LAMA2 protein function.

NM_000426.4(LAMA2):c.8378T>C (p.Val2793Ala)

Gene: LAMA2 (laminin subunit alpha 2; plus strand). Cytogenetic location: 6q22.33.
Variant type: single nucleotide variant.
Coding change: c.8378T>C on transcript NM_000426.4 (MANE Select); coding-DNA position 8378, T replaced by C.
Protein change: p.Val2793Ala; replaces valine 2793 with alanine.
Molecular consequence: missense variant.
Genome position (GRCh38, 1-based): chr6:129,503,111, T>C. VCF-style: chr6-129503111-T-C. GRCh37 (hg19) VCF-style: chr6-129824256-T-C.
Other names: c.8366T>C, p.Val2789Ala (NM_001079823.2); short protein forms V2793A, V2789A.
Identifiers: ClinVar variation 1415574 (VCV001415574.8), dbSNP rs2114890778, ClinGen allele CA365634004.